The following is an entry in ClinVar:

NM_181332.3(NLGN4X):c.560G>A (p.Gly187Asp)

Gene: NLGN4X (neuroligin 4 X-linked; minus strand). Cytogenetic location: Xp22.32.
Variant type: single nucleotide variant.
Coding change: c.560G>A on transcript NM_181332.3 (MANE Select); coding-DNA position 560, G replaced by A.
Protein change: p.Gly187Asp; replaces glycine 187 with aspartic acid.
Molecular consequence: missense variant.
Genome position (GRCh38, 1-based): chrX:6,029,345, C>T on the plus strand (G>A on the coding strand, the complement: NLGN4X is on the minus strand). VCF-style: chrX-6029345-C-T. GRCh37 (hg19) VCF-style: chrX-5947386-C-T.
Other names: c.560G>A, p.Gly187Asp (NM_001282145.2, NM_001282146.2, NM_020742.4); short protein forms G187D.
Identifiers: ClinVar variation 588448 (VCV000588448.5), dbSNP rs1569195529, ClinGen allele CA412014416.
Genomic context (GRCh38, chrX:6,029,345, plus strand): 5'-ATTCCCAGACGGTAGTTAATGGTGATCACGATGACGTTTCCGTAGCTTGCCAAAATGCTG[C>T]CGTCAATCATGTTGCCGGTGCCCTCCATGTAAGATCCCCCATGGATATAGACCATGACGG-3'
Protein context (NP_851849.1, residues 177-197): YMEGTGNMID[Gly187Asp]SILASYGNVI

ClinVar aggregate classification (germline): Uncertain significance (1 of 4 stars; one submission).

Conditions:
Inborn genetic diseases. Identifiers: MedGen C0950123, MeSH D030342.

Submission:

Ambry Genetics
Classification: Uncertain significance for Inborn genetic diseases. Last evaluated: 2022-05-11. Review status: criteria provided, single submitter. Criteria: Ambry Variant Classification Scheme 2023. Collection method: clinical testing. Allele origin: germline.
Comment: The p.G187D variant (also known as c.560G>A), located in coding exon 2 of the NLGN4X gene, results from a G to A substitution at nucleotide position 560. The glycine at codon 187 is replaced by aspartic acid, an amino acid with similar properties. This variant has been determined to be the result of a de novo mutation or germline mosaicism in one family with an isolated case of autism an developmental delay (Ambry internal data). This amino acid position is highly conserved in available vertebrate species. In addition, this alteration is predicted to be deleterious by in silico analysis. Since supporting evidence is limited at this time, the clinical significance of this alteration remains unclear.